The following is an entry in ClinVar:

NM_006384.4(CIB1):c.412G>A (p.Glu138Lys)

Gene: CIB1 (calcium and integrin binding 1; minus strand). Cytogenetic location: 15q26.1.
Variant type: single nucleotide variant.
Coding change: c.412G>A on transcript NM_006384.4 (MANE Select); coding-DNA position 412, G replaced by A.
Protein change: p.Glu138Lys; replaces glutamic acid 138 with lysine.
Molecular consequence: missense variant. On other transcripts: non-coding transcript variant (2).
Genome position (GRCh38, 1-based): chr15:90,231,148, C>T on the plus strand (G>A on the coding strand, the complement: CIB1 is on the minus strand). VCF-style: chr15-90231148-C-T. GRCh37 (hg19) VCF-style: chr15-90774380-C-T.
Other names: c.532G>A, p.Glu178Lys (NM_001277764.2); short protein forms E178K, E138K.
Identifiers: ClinVar variation 3679028 (VCV003679028.2).
Genomic context (GRCh38, chr15:90,231,148, plus strand): 5'-TGCTCACGTTGTCGATGAGCTGCTTCATCTCAGACGCACTAAGCCGTGTGTCCTCGCCCT[C>T]TCCCGTGAGGCAGTTCACCAGCCGGCTCAGGTCTTCTCTGTTCAAGGTTCCGTCATCATC-3'
Protein context (NP_006375.2, residues 128-148): LSRLVNCLTG[Glu138Lys]GEDTRLSASE

ClinVar aggregate classification (germline): Uncertain significance (1 of 4 stars; one submission).

gnomAD v4.1: 5 of 1,614,224 alleles (0.00031%); highest among the groups gnomAD compares: Non-Finnish European, 0.00034%; no homozygotes.

Submission:

Labcorp Genetics (formerly Invitae), Labcorp
Classification: Uncertain significance. Last evaluated: 2024-05-28. Review status: criteria provided, single submitter. Criteria: Invitae Variant Classification Sherloc (09022015). Collection method: clinical testing. Allele origin: germline.
Comment: This sequence change replaces glutamic acid, which is acidic and polar, with lysine, which is basic and polar, at codon 178 of the CIB1 protein (p.Glu178Lys). This variant is not present in population databases (gnomAD no frequency). This variant has not been reported in the literature in individuals affected with CIB1-related conditions. Experimental studies and prediction algorithms are not available or were not evaluated, and the functional significance of this variant is currently unknown. In summary, the available evidence is currently insufficient to determine the role of this variant in disease. Therefore, it has been classified as a Variant of Uncertain Significance.